The following is an entry in ClinVar:

NM_001563.4(IMPG1):c.1901T>C (p.Ile634Thr)

Gene: IMPG1 (interphotoreceptor matrix proteoglycan 1; minus strand). Cytogenetic location: 6q14.1.
Variant type: single nucleotide variant.
Coding change: c.1901T>C on transcript NM_001563.4 (MANE Select); coding-DNA position 1901, T replaced by C.
Protein change: p.Ile634Thr; replaces isoleucine 634 with threonine.
Molecular consequence: missense variant.
Genome position (GRCh38, 1-based): chr6:75,947,457, A>G on the plus strand (T>C on the coding strand, the complement: IMPG1 is on the minus strand). VCF-style: chr6-75947457-A-G. GRCh37 (hg19) VCF-style: chr6-76657174-A-G.
Other names: c.1901T>C (NM_001563.2); c.1667T>C, p.Ile556Thr (NM_001282368.2); short protein forms I556T, I634T.
Identifiers: ClinVar variation 1496603 (VCV001496603.10), dbSNP rs75117418, ClinGen allele CA3898007.

ClinVar aggregate classification (germline): Uncertain significance. Review status: criteria provided, multiple submitters, no conflicts (2 of 4 stars). 3 submissions from 3 submitters: Uncertain significance (3). Last evaluated 2024-09-21.

Allele frequency attached by ClinVar (database versions not stated): ESP Exome Variant Server 0.00008; 1000 Genomes Project 0.00020; 1000 Genomes Project 30x 0.00031.

Submissions (3):

Blueprint Genetics
Classification: Uncertain significance. Last evaluated: 2024-09-21. Review status: criteria provided, single submitter. Criteria: ACMG Guidelines, 2015. Collection method: clinical testing. Allele origin: germline.

Ambry Genetics
Classification: Uncertain significance. Last evaluated: 2023-12-22. Review status: criteria provided, single submitter. Criteria: Ambry Variant Classification Scheme 2023. Collection method: clinical testing. Allele origin: germline.

Labcorp Genetics (formerly Invitae), Labcorp
Classification: Uncertain significance. Last evaluated: 2021-05-30. Review status: criteria provided, single submitter. Criteria: Invitae Variant Classification Sherloc (09022015). Collection method: clinical testing. Allele origin: germline.
Comment: This sequence change replaces isoleucine with threonine at codon 634 of the IMPG1 protein (p.Ile634Thr). The isoleucine residue is highly conserved and there is a moderate physicochemical difference between isoleucine and threonine. In summary, the available evidence is currently insufficient to determine the role of this variant in disease. Therefore, it has been classified as a Variant of Uncertain Significance. Algorithms developed to predict the effect of missense changes on protein structure and function output the following: SIFT: "Deleterious"; PolyPhen-2: "Probably Damaging"; Align-GVGD: "Class C25". The threonine amino acid residue is found in multiple mammalian species, suggesting that this missense change does not adversely affect protein function. These predictions have not been confirmed by published functional studies and their clinical significance is uncertain. This variant has not been reported in the literature in individuals with IMPG1-related conditions. This variant is present in population databases (rs75117418, ExAC 0.02%).